The following is an entry in ClinVar:

ClinVar aggregate classification (germline): Uncertain significance (1 of 4 stars; one submission).

Conditions:
Hereditary cancer-predisposing syndrome. Also called: Neoplastic Syndromes, Hereditary; Tumor predisposition; Hereditary Cancer Syndrome; Hereditary neoplastic syndrome. Identifiers: Orphanet 140162, MedGen C0027672, MeSH D009386, MONDO:0015356.

Submission:

Ambry Genetics
Classification: Uncertain significance for Hereditary cancer-predisposing syndrome. Last evaluated: 2026-04-14. Review status: criteria provided, single submitter. Criteria: Ambry Variant Classification Scheme 2023. Collection method: clinical testing. Allele origin: germline.
Comment: The p.H360P variant (also known as c.1079A>C), located in coding exon 8 of the BMPR1A gene, results from an A to C substitution at nucleotide position 1079. The histidine at codon 360 is replaced by proline, an amino acid with similar properties. This amino acid position is highly conserved in available vertebrate species. In addition, this alteration is predicted to be deleterious by in silico analysis. Based on the available evidence, the clinical significance of this variant remains unclear.

NM_004329.3(BMPR1A):c.1079A>C (p.His360Pro)

Gene: BMPR1A (bone morphogenetic protein receptor type 1A; plus strand). Cytogenetic location: 10q23.2.
Variant type: single nucleotide variant.
Coding change: c.1079A>C on transcript NM_004329.3 (MANE Select); coding-DNA position 1079, A replaced by C.
Protein change: p.His360Pro; replaces histidine 360 with proline.
Molecular consequence: missense variant. On other transcripts: non-coding transcript variant (3).
Genome position (GRCh38, 1-based): chr10:86,919,382, A>C. VCF-style: chr10-86919382-A-C. GRCh37 (hg19) VCF-style: chr10-88679139-A-C.
Other names: c.1079A>C, p.His360Pro (NM_001406579.1, NM_001406580.1, NM_001406581.1 and 19 more transcripts); c.1073A>C, p.His358Pro (NM_001406583.1); c.995A>C, p.His332Pro (NM_001406584.1, NM_001406585.1, NM_001406586.1 and 2 more transcripts); c.737A>C, p.His246Pro (NM_001406589.1); c.1154A>C, p.His385Pro (NM_001406559.1); c.1127A>C, p.His376Pro (NM_001406560.1); short protein forms H376P, H385P, H246P, H332P, H358P, H360P.
Identifiers: ClinVar variation 4623363 (VCV004623363.2).
Genomic context (GRCh38, chr10:86,919,382, plus strand): 5'-GTGGTCTGTGCCACCTGCACACAGAAATTTATGGCACCCAAGGAAAGCCCGCAATTGCTC[A>C]TCGAGACCTAAAGAGCAAAAACATCCTCATCAAGAAAAATGGGAGTTGCTGCATTGCTGA-3'
Protein context (NP_004320.2, residues 350-370): YGTQGKPAIA[His360Pro]RDLKSKNILI